The following is an entry in ClinVar:

NM_007294.4(BRCA1):c.2708G>T (p.Cys903Phe)

Gene: BRCA1 (BRCA1 DNA repair associated; minus strand). Cytogenetic location: 17q21.31.
Variant type: single nucleotide variant.
Coding change: c.2708G>T on transcript NM_007294.4 (MANE Select); coding-DNA position 2708, G replaced by T.
Protein change: p.Cys903Phe; replaces cysteine 903 with phenylalanine.
Molecular consequence: missense variant. On other transcripts: intron variant (137).
Genome position (GRCh38, 1-based): chr17:43,092,823, C>A on the plus strand (G>T on the coding strand, the complement: BRCA1 is on the minus strand). VCF-style: chr17-43092823-C-A. GRCh37 (hg19) VCF-style: chr17-41244840-C-A.
Other names: c.2708G>T, p.Cys903Phe (NM_001407593.1, NM_001407594.1, NM_001407596.1 and 30 more transcripts); c.2705G>T, p.Cys902Phe (NM_001407610.1, NM_001407611.1, NM_001407612.1 and 22 more transcripts); c.2699G>T, p.Cys900Phe (NM_001407646.1, NM_001407647.1); c.2585G>T, p.Cys862Phe (NM_001407648.1, NM_001407664.1, NM_001407665.1 and 19 more transcripts); c.2582G>T, p.Cys861Phe (NM_001407649.1, NM_001407670.1, NM_001407671.1 and 11 more transcripts); c.2630G>T, p.Cys877Phe (NM_001407653.1, NM_001407654.1, NM_001407655.1 and 4 more transcripts); c.2627G>T, p.Cys876Phe (NM_001407659.1, NM_001407660.1, NM_001407661.1 and 1 more transcripts); c.2567G>T, p.Cys856Phe (NM_001407692.1, NM_001407694.1, NM_001407695.1 and 29 more transcripts); and 41 more; short protein forms C735F, C791F, C775F, C832F, C876F, C902F, C607F, C835F.
Identifiers: ClinVar variation 3674708 (VCV003674708.2).

ClinVar aggregate classification (germline): Uncertain significance (1 of 4 stars; one submission).

Conditions:
Hereditary breast ovarian cancer syndrome. Also called: Hereditary breast and ovarian cancer syndrome (HBOC); BRCA1- and BRCA2-Associated Hereditary Breast and Ovarian Cancer; Hereditary breast and/or ovarian cancer syndrome; Hereditary breast and ovarian cancer; Breast and ovarian cancer; Hereditary breast and ovarian cancer syndrome. Identifiers: Orphanet 145, MedGen C0677776, MeSH D061325, MONDO:0003582. Disease mechanism: loss of function.

Submission:

Labcorp Genetics (formerly Invitae), Labcorp
Classification: Uncertain significance for Hereditary breast ovarian cancer syndrome. Last evaluated: 2024-12-09. Review status: criteria provided, single submitter. Criteria: Invitae Variant Classification Sherloc (09022015). Collection method: clinical testing. Allele origin: germline.
Comment: This sequence change replaces cysteine, which is neutral and slightly polar, with phenylalanine, which is neutral and non-polar, at codon 903 of the BRCA1 protein (p.Cys903Phe). This variant is not present in population databases (gnomAD no frequency). This variant has not been reported in the literature in individuals affected with BRCA1-related conditions. Invitae Evidence Modeling of protein sequence and biophysical properties (such as structural, functional, and spatial information, amino acid conservation, physicochemical variation, residue mobility, and thermodynamic stability) indicates that this missense variant is not expected to disrupt BRCA1 protein function with a negative predictive value of 80%. In summary, the available evidence is currently insufficient to determine the role of this variant in disease. Therefore, it has been classified as a Variant of Uncertain Significance.